The following is an entry in ClinVar:

NM_002292.4(LAMB2):c.511A>C (p.Thr171Pro)

Gene: LAMB2 (laminin subunit beta 2; minus strand). Cytogenetic location: 3p21.31.
Variant type: single nucleotide variant.
Coding change: c.511A>C on transcript NM_002292.4 (MANE Select); coding-DNA position 511, A replaced by C.
Protein change: p.Thr171Pro; replaces threonine 171 with proline.
Molecular consequence: missense variant.
Genome position (GRCh38, 1-based): chr3:49,131,672, T>G on the plus strand (A>C on the coding strand, the complement: LAMB2 is on the minus strand). VCF-style: chr3-49131672-T-G. GRCh37 (hg19) VCF-style: chr3-49169105-T-G.
Other names: short protein forms T171P.
Identifiers: ClinVar variation 635015 (VCV000635015.1), dbSNP rs1560077016, ClinGen allele CA352750887.
Genomic context (GRCh38, chr3:49,131,672, plus strand): 5'-GTGGGACTCCTGGGAAGTCAGCCCCACAGTCATAGGAGAAATATCGGTACACATGCCAGG[T>G]GCGGCCAAAGTCTGCTGAGCGTTCCACCAGCATGGCAGCAGGGCGAAATGTCTGGGTAGG-3'
Protein context (NP_002283.3, residues 161-181): LVERSADFGR[Thr171Pro]WHVYRYFSYD

ClinVar aggregate classification (germline): Uncertain significance (1 of 4 stars; one submission).

Conditions:
LAMB2-related infantile-onset nephrotic syndrome. Also called: NEPHROTIC SYNDROME, TYPE 5, WITHOUT OCULAR ABNORMALITIES; NEPHROTIC SYNDROME, TYPE 5, WITH OCULAR ABNORMALITIES; Nephrotic Syndrome, type 5. Identifiers: Orphanet 306507, MedGen C3280113, MONDO:0013621, OMIM 614199.

Submission:

Broad Center for Mendelian Genomics, Broad Institute of MIT and Harvard
Classification: Uncertain significance for LAMB2-related infantile-onset nephrotic syndrome. Last evaluated: 2018-06-15. Review status: criteria provided, single submitter. Criteria: ACMG Guidelines, 2015. Collection method: research. Allele origin: germline. Inheritance: Autosomal recessive inheritance. Affected: yes.
Comment: This variant was absent from large population studies. The Threonine (Thr) at position 171 is highly conserved in mammals but not in more evolutionarily distant species, raising the possibility that a change at this position may be tolerated. Computational prediction tools do not provide strong support for or against an impact to the protein. In summary, the clinical significance of this variant is uncertain.